The following is an entry in ClinVar:

ClinVar aggregate classification (germline): Pathogenic (1 of 4 stars; one submission).

Conditions:
Exostoses, multiple, type 2 (EXT2). Also called: Hereditary Multiple Osteochondromatosis, Type II; EXOSTOSES, MULTIPLE, TYPE II. Identifiers: Orphanet 321, MedGen C1851413, MONDO:0007586, OMIM 133701.

Submission:

Labcorp Genetics (formerly Invitae), Labcorp
Classification: Pathogenic for Exostoses, multiple, type 2. Last evaluated: 2019-07-11. Review status: criteria provided, single submitter. Criteria: Invitae Variant Classification Sherloc (09022015). Collection method: clinical testing. Allele origin: germline.
Comment: Loss-of-function variants in EXT2 are known to be pathogenic (PMID: 10679937, 19810120). This sequence change creates a premature translational stop signal (p.Val305Serfs*27) in the EXT2 gene. It is expected to result in an absent or disrupted protein product. This variant is not present in population databases (ExAC no frequency). This variant has been observed in individuals and families affected with multiple osteochondromas (PMID: 17301954, 23262345). For these reasons, this variant has been classified as Pathogenic.

Literature cited by the submitters: PubMed 10679937; PubMed 19810120; PubMed 17301954; PubMed 23262345.

NM_207122.2(EXT2):c.913del (p.Val305fs)

Gene: EXT2 (exostosin glycosyltransferase 2; plus strand). Cytogenetic location: 11p11.2.
Variant type: Deletion.
Coding change: c.913del on transcript NM_207122.2 (MANE Select); coding-DNA position 913, one base deleted (G; older notation c.913delG).
Protein change: p.Val305fs; shifts the reading frame from valine 305.
Molecular consequence: frameshift variant.
Genome position (GRCh38, 1-based): chr11:44,124,958, G deleted; the last of 2 consecutive G bases (chr11:44,124,957-44,124,958); deleting either gives the same sequence. VCF-style (leftmost placement, unchanged base first): chr11-44124956-AG-A. GRCh37 (hg19) VCF-style: chr11-44146506-AG-A.
Other names: c.1012del, p.Val338fs (NM_000401.3); c.913del, p.Val305fs (NM_001178083.3, NM_001389628.1, NM_001389630.1); short protein forms V305fs, V338fs.
Identifiers: ClinVar variation 950201 (VCV000950201.10), dbSNP rs1954378294, ClinGen allele CA1139661900.